The following is an entry in ClinVar:

NM_002485.5(NBN):c.2203A>G (p.Lys735Glu)

Gene: NBN (nibrin; minus strand). Cytogenetic location: 8q21.3.
Variant type: single nucleotide variant.
Coding change: c.2203A>G on transcript NM_002485.5 (MANE Select); coding-DNA position 2203, A replaced by G.
Protein change: p.Lys735Glu; replaces lysine 735 with glutamic acid.
Molecular consequence: missense variant.
Genome position (GRCh38, 1-based): chr8:89,937,057, T>C on the plus strand (A>G on the coding strand, the complement: NBN is on the minus strand). VCF-style: chr8-89937057-T-C. GRCh37 (hg19) VCF-style: chr8-90949285-T-C.
Other names: c.1957A>G, p.Lys653Glu (NM_001024688.3); short protein forms K653E, K735E.
Identifiers: ClinVar variation 3222428 (VCV003222428.1), dbSNP rs2488169614, ClinGen allele CA371674802.

ClinVar aggregate classification (germline): Uncertain significance (1 of 4 stars; one submission).

Conditions:
Hereditary cancer-predisposing syndrome. Also called: Tumor predisposition; Hereditary neoplastic syndrome; Hereditary Cancer Syndrome; Neoplastic Syndromes, Hereditary. Identifiers: Orphanet 140162, MedGen C0027672, MeSH D009386, MONDO:0015356.

Submission:

Ambry Genetics
Classification: Uncertain significance for Hereditary cancer-predisposing syndrome. Last evaluated: 2024-02-22. Review status: criteria provided, single submitter. Criteria: Ambry Variant Classification Scheme 2023. Collection method: clinical testing. Allele origin: germline.
Comment: The p.K735E variant (also known as c.2203A>G), located in coding exon 15 of the NBN gene, results from an A to G substitution at nucleotide position 2203. The lysine at codon 735 is replaced by glutamic acid, an amino acid with similar properties. This amino acid position is conserved. In addition, this alteration is predicted to be tolerated by in silico analysis. Based on the available evidence, the clinical significance of this alteration remains unclear.